The following is an entry in ClinVar:

ClinVar aggregate classification (germline): Pathogenic/Likely pathogenic. Review status: criteria provided, multiple submitters, no conflicts (2 of 4 stars). 3 submissions from 3 submitters: Pathogenic (2); Likely pathogenic (1). Last evaluated 2025-02-21.

Conditions:
Cardiovascular phenotype. Identifiers: MedGen CN230736.
Walker-Warburg congenital muscular dystrophy. Also called: Muscular dystrophy-dystroglycanopathy, type A; Walker-Warburg syndrome. Identifiers: Orphanet 899, MedGen C0265221, MONDO:0000171.
FKRP-related disorder. Also called: FKRP-related condition.

Allele frequency attached by ClinVar (database versions not stated): TOPMed below 0.00001; gnomAD 0.00001; gnomAD exomes 0.00001.

Submissions (3):

Ambry Genetics
Classification: Pathogenic for Cardiovascular phenotype. Last evaluated: 2025-02-21. Review status: criteria provided, single submitter. Criteria: Ambry Variant Classification Scheme 2023. Collection method: clinical testing. Allele origin: germline.
Comment: The c.651_652dupGG pathogenic mutation, located in coding exon 1 of the FKRP gene, results from a duplication of GG at nucleotide position 651, causing a translational frameshift with a predicted alternate stop codon (p.V218Gfs*22). This alteration occurs at the 3' terminus of theFKRP gene, is not expected to trigger nonsense-mediated mRNA decay, and impacts the last 56% of the protein. However, premature stop codons are typically deleterious in nature and a significant portion of the protein is affected (Ambry internal data). This variant has been identified in the homozygous state and/or in conjunction with other FKRP variant(s) in individual(s) with features consistent with congenital muscular dystrophy (Sframeli M et al. Neuromuscul Disord, 2017 Sep;27:793-803). This variant is considered to be rare based on population cohorts in the Genome Aggregation Database (gnomAD). Based on the supporting evidence, this variant is interpreted as a disease-causing mutation.

Labcorp Genetics (formerly Invitae), Labcorp
Classification: Pathogenic for Walker-Warburg congenital muscular dystrophy. Last evaluated: 2024-06-03. Review status: criteria provided, single submitter. Criteria: Invitae Variant Classification Sherloc (09022015). Collection method: clinical testing. Allele origin: germline.
Comment: This sequence change creates a premature translational stop signal (p.Val218Glyfs*22) in the FKRP gene. While this is not anticipated to result in nonsense mediated decay, it is expected to disrupt the last 278 amino acid(s) of the FKRP protein. This variant is not present in population databases (gnomAD no frequency). This premature translational stop signal has been observed in individual(s) with congenital muscular dystrophy (PMID: 28688748). This variant disrupts a region of the FKRP protein in which other variant(s) (p.Ile478Thr) have been determined to be pathogenic (PMID: 16476814, 18639457, 19299310). This suggests that this is a clinically significant region of the protein, and that variants that disrupt it are likely to be disease-causing. For these reasons, this variant has been classified as Pathogenic.

Blueprint Genetics
Classification: Likely pathogenic for FKRP-related disorders. Last evaluated: 2022-10-04. Review status: criteria provided, single submitter. Criteria: ACMG Guidelines, 2015. Collection method: clinical testing. Allele origin: germline. Affected: yes. Observed: 1 variant allele.

Literature cited by the submitters: PubMed 28688748 (cited by Ambry Genetics and Labcorp Genetics (formerly Invitae), Labcorp); PubMed 16476814 (cited by Labcorp Genetics (formerly Invitae), Labcorp); PubMed 18639457 (cited by Labcorp Genetics (formerly Invitae), Labcorp); PubMed 19299310 (cited by Labcorp Genetics (formerly Invitae), Labcorp).

NM_024301.5(FKRP):c.651_652dup (p.Val218fs)

Gene: FKRP (fukutin related protein; plus strand). Cytogenetic location: 19q13.32.
Variant type: Duplication.
Coding change: c.651_652dup on transcript NM_024301.5 (MANE Select); coding-DNA positions 651 to 652, 2 bases duplicated (GG; older notation c.651_652dupGG).
Protein change: p.Val218fs; shifts the reading frame from valine 218.
Molecular consequence: frameshift variant.
Genome position (GRCh38, 1-based): chr19:46,756,101-46,756,102, GG duplicated. VCF-style (leftmost placement, unchanged base first): chr19-46756100-C-CGG. GRCh37 (hg19) VCF-style: chr19-47259357-C-CGG.
Other names: c.651_652dup, p.Val218fs (NM_001039885.3); c.651_652dupGG (NM_024301.4); short protein forms V218fs.
Identifiers: ClinVar variation 2736911 (VCV002736911.5), dbSNP rs1261833304, ClinGen allele CA882849750.
Genomic context (GRCh38, chr19:46,756,100, plus strand): 5'-ATGCTGTGGTGCTCCTGCGCGCCCGCGACCTCTTCAACCTCTCGGCGCCCCTGGCCCGGC[C>CGG]GGTGGGCACCAGCCTCTTTCTGCAGACCGCCCTTCGCGGCTGGGCGGTGCAGCTGCTGGA-3'